The following is an entry in ClinVar:

ClinVar aggregate classification (germline): Uncertain significance. Review status: criteria provided, multiple submitters, no conflicts (2 of 4 stars). 7 submissions from 6 submitters: Uncertain significance (6). 1 of the submissions does not count toward it. Last evaluated 2024-11-24.

Conditions:
FLCN-related disorder. Also called: FLCN-related condition.
Familial spontaneous pneumothorax (PSP). Identifiers: Orphanet 2903, MedGen C1868193, MONDO:0008259, OMIM 173600.
Colorectal cancer. Also called: Colorectal cancer, somatic; Malignant Colorectal Neoplasm. Identifiers: MedGen C0346629, MONDO:0005575, OMIM 114500.
Birt-Hogg-Dube syndrome 1 (BHD1). Also called: FIBROFOLLICULOMAS WITH TRICHODISCOMAS AND ACROCHORDONS. Identifiers: Orphanet 122, MedGen CN375946, MONDO:0800445, OMIM 135150.
Nonpapillary renal cell carcinoma. Identifiers: Orphanet 422526, MedGen CN074294, MONDO:0007763, OMIM 144700.
Hereditary cancer-predisposing syndrome. Also called: Neoplastic Syndromes, Hereditary; Hereditary neoplastic syndrome; Tumor predisposition; Hereditary Cancer Syndrome. Identifiers: Orphanet 140162, MedGen C0027672, MeSH D009386, MONDO:0015356.
Birt-Hogg-Dube syndrome. Also called: Birt Hogg Dubé syndrome. Identifiers: Orphanet 122, MedGen C0346010, MONDO:0800444.

Allele frequency attached by ClinVar (database versions not stated): gnomAD exomes below 0.00001; ExAC 0.00001; gnomAD 0.00001; TOPMed 0.00001.
gnomAD v4.1: 4 of 1,614,048 alleles (0.00025%); highest among the groups gnomAD compares: Admixed American, 0.0033%; no homozygotes.

Submissions (7):

Labcorp Genetics (formerly Invitae), Labcorp
Classification: Uncertain significance for Birt-Hogg-Dube syndrome. Last evaluated: 2024-11-24. Review status: criteria provided, single submitter. Criteria: Invitae Variant Classification Sherloc (09022015). Collection method: clinical testing. Allele origin: germline.
Comment: This sequence change replaces glutamic acid, which is acidic and polar, with glycine, which is neutral and non-polar, at codon 303 of the FLCN protein (p.Glu303Gly). This variant is present in population databases (rs773482946, gnomAD 0.003%). This variant has not been reported in the literature in individuals affected with FLCN-related conditions. ClinVar contains an entry for this variant (Variation ID: 529980). Invitae Evidence Modeling of protein sequence and biophysical properties (such as structural, functional, and spatial information, amino acid conservation, physicochemical variation, residue mobility, and thermodynamic stability) indicates that this missense variant is not expected to disrupt FLCN protein function with a negative predictive value of 80%. In summary, the available evidence is currently insufficient to determine the role of this variant in disease. Therefore, it has been classified as a Variant of Uncertain Significance.

Fulgent Genetics
Classification: Uncertain significance for Colorectal cancer; Birt-Hogg-Dube syndrome 1; Nonpapillary renal cell carcinoma; Familial spontaneous pneumothorax. Last evaluated: 2024-02-20. Review status: criteria provided, single submitter. Criteria: ACMG Guidelines, 2015. Collection method: clinical testing. Allele origin: germline.

Ambry Genetics
Classification: Uncertain significance for Hereditary cancer-predisposing syndrome. Last evaluated: 2023-11-16. Review status: criteria provided, single submitter. Criteria: Ambry Variant Classification Scheme 2023. Collection method: clinical testing. Allele origin: germline.
Comment: The p.E303G variant (also known as c.908A>G), located in coding exon 6 of the FLCN gene, results from an A to G substitution at nucleotide position 908. The glutamic acid at codon 303 is replaced by glycine, an amino acid with similar properties. This amino acid position is well conserved in available vertebrate species. In addition, the in silico prediction for this alteration is inconclusive. Since supporting evidence is limited at this time, the clinical significance of this alteration remains unclear.

Baylor Genetics
Classification: Uncertain significance for Birt-Hogg-Dube syndrome 1. Last evaluated: 2023-08-25. Review status: criteria provided, single submitter. Criteria: ACMG Guidelines, 2015. Collection method: clinical testing. Allele origin: unknown.

Quest Diagnostics Nichols Institute San Juan Capistrano
Classification: Uncertain significance. Last evaluated: 2023-06-20. Review status: criteria provided, single submitter. Criteria: Quest Diagnostics criteria. Collection method: clinical testing. Allele origin: unknown.
Comment: This variant has not been reported in the published literature. The frequency of this variant in the general population, 0.000004 (1/251470 chromosomes (Genome Aggregation Database)), is uninformative in the assessment of its pathogenicity. Analysis of this variant using bioinformatics tools for the prediction of the effect of amino acid changes on protein structure and function yielded predictions that this variant is benign. Based on the available information, we are unable to determine the clinical significance of this variant.

Baylor Genetics
Classification: Uncertain significance for Birt-Hogg-Dube syndrome 1. Last evaluated: 2022-01-07. Review status: criteria provided, single submitter. Criteria: ACMG Guidelines, 2015. Collection method: clinical testing. Allele origin: unknown. Affected: yes. Study: CSER-TexasKidsCanSeq.
Comment: This variant was determined to be of uncertain significance according to ACMG Guidelines, 2015 [PMID:25741868].

PreventionGenetics, part of Exact Sciences
Classification: Uncertain significance for FLCN-related condition. Last evaluated: 2024-05-13. Review status: no assertion criteria provided. Collection method: clinical testing. Allele origin: germline. Not counted in ClinVar's aggregate classification.
Comment: The FLCN c.908A>G variant is predicted to result in the amino acid substitution p.Glu303Gly. To our knowledge, this variant has not been reported in the literature. This variant is reported in 0.0029% of alleles in individuals of Latino descent in gnomAD. This variant is listed in ClinVar as a variant of uncertain significance (VUS). At this time, the clinical significance of this variant is uncertain due to the absence of conclusive functional and genetic evidence.

NM_144997.7(FLCN):c.908A>G (p.Glu303Gly)

Gene: FLCN (folliculin; minus strand). Cytogenetic location: 17p11.2.
Variant type: single nucleotide variant.
Coding change: c.908A>G on transcript NM_144997.7 (MANE Select); coding-DNA position 908, A replaced by G.
Protein change: p.Glu303Gly; replaces glutamic acid 303 with glycine.
Molecular consequence: missense variant.
Genome position (GRCh38, 1-based): chr17:17,219,173, T>C on the plus strand (A>G on the coding strand, the complement: FLCN is on the minus strand). VCF-style: chr17-17219173-T-C. GRCh37 (hg19) VCF-style: chr17-17122487-T-C.
Other names: c.908A>G (LRG_325t1, NM_144997.6); c.962A>G, p.Glu321Gly (NM_001353229.2); c.908A>G, p.Glu303Gly (NM_001353230.2, NM_001353231.2); short protein forms E303G, E321G.
Identifiers: ClinVar variation 529980 (VCV000529980.13), dbSNP rs773482946, ClinGen allele CA8416196.